The following is an entry in ClinVar:

ClinVar aggregate classification (germline): Uncertain significance. Review status: criteria provided, multiple submitters, no conflicts (2 of 4 stars). 2 submissions from 2 submitters: Uncertain significance (2). Last evaluated 2022-10-24.

Conditions:
Congenital myasthenic syndrome 8. Also called: MYASTHENIC SYNDROME, CONGENITAL, DUE TO AGRIN DEFICIENCY; Myasthenic syndrome, congenital, 8, with pre- and postsynaptic defects. Identifiers: Orphanet 590, MedGen C3808739, MONDO:0014052, OMIM 615120.

Submissions (2):

Labcorp Genetics (formerly Invitae), Labcorp
Classification: Uncertain significance for Congenital myasthenic syndrome 8. Last evaluated: 2022-10-24. Review status: criteria provided, single submitter. Criteria: Invitae Variant Classification Sherloc (09022015). Collection method: clinical testing. Allele origin: germline.
Comment: This sequence change replaces proline, which is neutral and non-polar, with arginine, which is basic and polar, at codon 15 of the AGRN protein (p.Pro15Arg). This variant is present in population databases (no rsID available, gnomAD 7%), and has an allele count higher than expected for a pathogenic variant. This variant has not been reported in the literature in individuals affected with AGRN-related conditions. ClinVar contains an entry for this variant (Variation ID: 541157). Experimental studies and prediction algorithms are not available or were not evaluated, and the functional significance of this variant is currently unknown. In summary, the available evidence is currently insufficient to determine the role of this variant in disease. Therefore, it has been classified as a Variant of Uncertain Significance.

Blueprint Genetics
Classification: Uncertain significance. Last evaluated: 2020-06-01. Review status: criteria provided, single submitter. Criteria: ACMG Guidelines, 2015. Collection method: clinical testing. Allele origin: germline.

NM_198576.4(AGRN):c.44_45delinsGT (p.Pro15Arg)

Gene: AGRN (agrin; plus strand). Cytogenetic location: 1p36.33.
Variant type: Indel.
Coding change: c.44_45delinsGT on transcript NM_198576.4 (MANE Select); coding-DNA positions 44 to 45, CG replaced by GT.
Protein change: p.Pro15Arg; replaces proline 15 with arginine.
Molecular consequence: missense variant.
Genome position (GRCh38, 1-based): chr1:1,020,216-1,020,217, CG replaced by GT. VCF-style: chr1-1020216-CG-GT. GRCh37 (hg19) VCF-style: chr1-955596-CG-GT.
Other names: c.44_45delinsGT (NM_198576.3); c.44_45delinsGT, p.Pro15Arg (NM_001305275.2); short protein forms P15R.
Identifiers: ClinVar variation 541157 (VCV000541157.8), dbSNP rs1553170743, ClinGen allele CA658795345.